The following is an entry in ClinVar:

ClinVar aggregate classification (germline): Conflicting classifications of pathogenicity. Review status: criteria provided, conflicting classifications (1 of 4 stars). 6 submissions from 6 submitters: Uncertain significance (2); Benign (1); Likely benign (3). Last evaluated 2026-02-02.

Conditions:
Frontometaphyseal dysplasia (FMD1). Identifiers: Orphanet 1826, MedGen C0265293, MONDO:0015942.
Oto-palato-digital syndrome, type II (OPD2). Also called: Otopalatodigital Syndrome Type 2 (FLNA-OPD2); FACIOPALATOOSSEOUS SYNDROME; OPD II SYNDROME; Otopalatodigital Syndrome, Type II. Identifiers: Orphanet 669, Orphanet 90652, MedGen C1844696, MONDO:0010571, OMIM 304120.
Melnick-Needles syndrome (MNS). Also called: Melnick-Needles Syndrome (FLNA-MNS); MELNICK-NEEDLES OSTEODYSPLASTY; OSTEODYSPLASTY OF MELNICK AND NEEDLES. Identifiers: Orphanet 2484, MedGen C0025237, MONDO:0010650, OMIM 309350.
Heterotopia, periventricular, X-linked dominant (PVNH1). Also called: PERIVENTRICULAR NODULAR HETEROTOPIA 1; X-linked periventricular heterotopia; PERIVENTRICULAR NODULAR HETEROTOPIA 4; HETEROTOPIA, PERIVENTRICULAR, 1. Identifiers: Orphanet 2149, Orphanet 82004, MedGen C1848213, MONDO:0010233, OMIM 300049.
FLNA-related disorder.
Familial thoracic aortic aneurysm and aortic dissection (TAAD). Also called: Thoracic aortic aneurysms and dissections. Identifiers: Orphanet 91387, MedGen C4707243, MONDO:0019625.

Allele frequency attached by ClinVar (database versions not stated): gnomAD exomes 0.00002; gnomAD 0.00008 and 0.00009; TOPMed 0.00020; 1000 Genomes Project 30x 0.00021; 1000 Genomes Project 0.00026; ExAC 0.00001.
gnomAD v4.1: 30 of 1,210,317 alleles (0.0025%); highest among the groups gnomAD compares: Admixed American, 0.028%; no homozygotes.

Submissions (6):

Labcorp Genetics (formerly Invitae), Labcorp
Classification: Benign for Oto-palato-digital syndrome, type II; Heterotopia, periventricular, X-linked dominant; Frontometaphyseal dysplasia; Melnick-Needles syndrome. Last evaluated: 2026-02-02. Review status: criteria provided, single submitter. Criteria: Invitae Variant Classification Sherloc (09022015). Collection method: clinical testing. Allele origin: germline.

PreventionGenetics, part of Exact Sciences
Classification: Likely benign for FLNA-related condition. Last evaluated: 2025-11-13. Review status: criteria provided, single submitter. Criteria: ACMG Guidelines, 2015. Collection method: clinical testing. Allele origin: germline.
Comment: This variant is classified as likely benign based on ACMG/AMP sequence variant interpretation guidelines (Richards et al. 2015 PMID: 25741868, with internal and published modifications).

Ambry Genetics
Classification: Likely benign for Familial thoracic aortic aneurysm and aortic dissection. Last evaluated: 2022-04-21. Review status: criteria provided, single submitter. Criteria: Ambry Variant Classification Scheme 2023. Collection method: clinical testing. Allele origin: germline.

GeneDx
Classification: Likely benign. Last evaluated: 2020-12-02. Review status: criteria provided, single submitter. Criteria: GeneDx Variant Classification Process June 2021. Collection method: clinical testing. Allele origin: germline. Affected: yes.
Comment: In silico analysis supports that this missense variant does not alter protein structure/function; Has not been previously published as pathogenic or benign to our knowledge

Mayo Clinic Laboratories, Mayo Clinic
Classification: Uncertain significance. Last evaluated: 2019-05-20. Review status: criteria provided, single submitter. Criteria: ACMG Guidelines, 2015. Collection method: clinical testing. Allele origin: germline. Observed: 1 variant allele.

Athena Diagnostics
Classification: Uncertain significance. Last evaluated: 2016-11-29. Review status: criteria provided, single submitter. Criteria: Athena Diagnostics Criteria. Collection method: clinical testing. Allele origin: germline.

NM_001110556.2(FLNA):c.7066A>C (p.Ser2356Arg)

Gene: FLNA (filamin A; minus strand). Cytogenetic location: Xq28.
Variant type: single nucleotide variant.
Coding change: c.7066A>C on transcript NM_001110556.2 (MANE Select); coding-DNA position 7066, A replaced by C.
Protein change: p.Ser2356Arg; replaces serine 2356 with arginine.
Molecular consequence: missense variant.
Genome position (GRCh38, 1-based): chrX:154,350,999, T>G on the plus strand (A>C on the coding strand, the complement: FLNA is on the minus strand). VCF-style: chrX-154350999-T-G. GRCh37 (hg19) VCF-style: chrX-153579367-T-G.
Other names: c.7042A>C, p.Ser2348Arg (NM_001456.4); short protein forms S2356R, S2348R.
Identifiers: ClinVar variation 447344 (VCV000447344.22), dbSNP rs781823700, ClinGen allele CA10559960.